The following continues an entry in ClinVar:

NM_152743.4(BRAT1):c.294dup (p.Leu99fs)

Gene: BRAT1. ClinVar aggregate classification (germline): Pathogenic/Likely pathogenic. Pathogenic (19); Likely pathogenic (1).

Submissions 10 to 21 of 21:

Clinical Genomics Laboratory, Stanford Medicine
Classification: Pathogenic for BRAT1-related neurodevelopmental disorders. Last evaluated: 2021-09-22. Review status: criteria provided, single submitter. Criteria: ACMG Guidelines, 2015. Collection method: clinical testing. Allele origin: maternal. Inheritance: Autosomal recessive inheritance. Observed: 2 variant alleles, 2 heterozygotes. Clinical features observed: intellectual disability, autism, refractory epilepsy.
Comment: The p.Leu99Thrfs*92 variant in the BRAT1 gene has been previously reported in 4 unrelated individuals with features consistent with BRAT1-related neurodevelopmental disorders and co-segregated with disease in 2 affected relatives from 1 family (PMID: 26483087; PMID: 26494257; PMID:28635423; PMID: 32964447). All individuals were compound heterozygous. This variant was determined to be in trans with multiple disease-associated variants (p.Arg609Trp; p.Ala642Glu; p.Arg268His; c.1771G>C) consistent with autosomal recessive inheritance. The presence of this variant with disease-associated variants on the opposite allele increases suspicion for its pathogenicity. This variant has also been identified in 35/81,678 European non-Finnish chromosomes by the Genome Aggregation Database. Although this variant has been seen in the general population, its frequency is low enough to be consistent with a recessive carrier frequency. This variant results in a 1bp duplication, which causes a shift in the protein reading frame, leading to a premature termination codon 92 amino acids downstream. Loss of function is an established mechanism of disease for the BRAT1 gene. These data were assessed using the ACMG/AMP variant interpretation guidelines. In summary, there is sufficient evidence to classify the p.Leu99Thrfs*92 variant as pathogenic for autosomal recessive BRAT1-related neurodevelopmental disorders based on the information above. [ACMG evidence codes used: PVS1; PM2; PM3_strong; PP1]

Institute of Human Genetics Munich, TUM University Hospital
Classification: Pathogenic for Neonatal-onset encephalopathy with rigidity and seizures. Last evaluated: 2021-04-22. Review status: criteria provided, single submitter. Criteria: Classification criteria August 2017. Collection method: clinical testing. Allele origin: germline. Inheritance: Autosomal recessive inheritance. Affected: yes. Observed: 1 variant allele.

Revvity Omics, Revvity
Classification: Pathogenic. Last evaluated: 2021-04-19. Review status: criteria provided, single submitter. Criteria: ACMG Guidelines, 2015. Collection method: clinical testing. Allele origin: germline.

Baylor Genetics
Classification: Pathogenic for Neurodevelopmental disorder with cerebellar atrophy and with or without seizures. Last evaluated: 2021-04-13. Review status: criteria provided, single submitter. Criteria: ACMG Guidelines, 2015. Collection method: clinical testing. Allele origin: unknown.

Ambry Genetics
Classification: Pathogenic for Inborn genetic diseases. Last evaluated: 2020-11-23. Review status: criteria provided, single submitter. Criteria: Ambry Variant Classification Scheme 2023. Collection method: clinical testing. Allele origin: germline.
Comment: The c.294dupA (p.L99Tfs*92) alteration, located in exon 4 (coding exon 3) of the BRAT1 gene, consists of a duplication of A at position 294, causing a translational frameshift with a predicted alternate stop codon after 92 amino acids. This alteration is expected to result in loss of function by premature protein truncation or nonsense-mediated mRNA decay. Based on data from the Genome Aggregation Database (gnomAD) database, the BRAT1 c.294dupA alteration was observed in 0.02% (42/173320) of total alleles studied, with a frequency of 0.07% (3/4034) in the Ashkenazi Jewish subpopulation. This alteration has been described with a second alteration in trans in multiple unrelated patients who present with developmental delay, microcephaly, abnormal muscle tone, and various other anomalies (Hanes, 2015; Mundy, 2015; Oatts, 2017, Taylor, 2019)._x000D_ _x000D_ Manual edits for references:_x000D_ _x000D_ Mundy SA, et al. (2015) Am. J. Med. Genet. A 170(3):699-702._x000D_ Oatts JT, et al. (2017) Ophthalmic Genet. 38(6):1-3. Based on the available evidence, this alteration is classified as pathogenic.

Equipe Genetique des Anomalies du Developpement, Université de Bourgogne
Classification: Pathogenic for Neonatal-onset encephalopathy with rigidity and seizures. Last evaluated: 2018-07-10. Review status: criteria provided, single submitter. Criteria: ACMG Guidelines, 2015. Collection method: clinical testing. Allele origin: paternal. Affected: yes.

Rady Children's Institute for Genomic Medicine, Rady Children's Hospital San Diego
Classification: Pathogenic for RIGIDITY AND MULTIFOCAL SEIZURE SYNDROME, LETHAL NEONATAL. Last evaluated: 2018-04-20. Review status: criteria provided, single submitter. Criteria: ACMG Guidelines, 2015. Collection method: clinical testing. Allele origin: germline. Affected: yes. Observed: 1 variant allele.
Comment: This frameshifting variant is predicted to result in a premature stop codon and is therefore considered a loss-of-function mutation. This variant has been previously reported as a compound heterozygous change in individuals with neurodevelopmental phenotypes of variable severity (PMID: 26494257, 26483087). This variant is present as a heterozygous change in the gnomAD population database at a frequency of 0.023%. Based on the available evidence, the c.294dupA (p.Leu99ThrfsTer92) variant is classified as a pathogenic change.

Eurofins Ntd Llc (ga)
Classification: Pathogenic. Last evaluated: 2017-12-05. Review status: criteria provided, single submitter. Criteria: EGL Classification Definitions 2015. Collection method: clinical testing. Allele origin: germline. Observed: 1 variant allele, 1 heterozygote.

Center for Pediatric Genomic Medicine, Children's Mercy Hospital and Clinics
Classification: Pathogenic. Last evaluated: 2017-06-15. Review status: criteria provided, single submitter. Criteria: ACMG Guidelines, 2015. Collection method: clinical testing. Allele origin: germline.

Clinical Genetics and Genomics, Karolinska University Hospital
Classification: Likely pathogenic. Last evaluated: 2016-12-28. Review status: criteria provided, single submitter. Criteria: ACMG Guidelines, 2015. Collection method: clinical testing. Allele origin: germline. Affected: yes. Observed: 6 variant alleles.

Genetic Services Laboratory, University of Chicago
Classification: Pathogenic for Rigidity and multifocal seizure syndrome, lethal neonatal. Last evaluated: 2016-01-14. Review status: criteria provided, single submitter. Criteria: ACMG Guidelines, 2015. Collection method: clinical testing. Allele origin: germline. Affected: yes.

OMIM
Classification: Pathogenic for NEURODEVELOPMENTAL DISORDER WITH CEREBELLAR ATROPHY AND SEIZURES. Last evaluated: 2018-08-02. Review status: no assertion criteria provided. Collection method: literature only. Allele origin: germline. Not counted in ClinVar's aggregate classification.

Literature cited by the submitters: PubMed 22279524 (cited by Labcorp Genetics (formerly Invitae), Labcorp); PubMed 25500575 (cited by Labcorp Genetics (formerly Invitae), Labcorp); PubMed 26483087 (cited by 5 submitters); PubMed 26494257 (cited by 5 submitters); PubMed 32964447 (cited by 3 submitters); PubMed 31345272 (cited by Laboratory for Molecular Medicine, Mass General Brigham Personalized Medicine and Ambry Genetics); PubMed 28635423 (cited by 3 submitters).